The following is an entry in ClinVar:

ClinVar aggregate classification (germline): Uncertain significance (1 of 4 stars; one submission).

Conditions:
Primary ciliary dyskinesia. Also called: Ciliary dyskinesia. Identifiers: Orphanet 244, MedGen C0008780, MONDO:0016575, HP:0012265.

Submission:

Ambry Genetics
Classification: Uncertain significance for Primary ciliary dyskinesia. Last evaluated: 2024-02-25. Review status: criteria provided, single submitter. Criteria: Ambry Variant Classification Scheme 2023. Collection method: clinical testing. Allele origin: germline.
Comment: The p.L48F variant (also known as c.144A>T), located in coding exon 3 of the NME8 gene, results from an A to T substitution at nucleotide position 144. The leucine at codon 48 is replaced by phenylalanine, an amino acid with highly similar properties. This amino acid position is conserved. In addition, this alteration is predicted to be tolerated by in silico analysis. Based on the available evidence, the clinical significance of this alteration remains unclear.

NM_016616.5(NME8):c.144A>T (p.Leu48Phe)

Gene: NME8 (NME/NM23 family member 8; plus strand). Cytogenetic location: 7p14.1.
Variant type: single nucleotide variant.
Coding change: c.144A>T on transcript NM_016616.5 (MANE Select); coding-DNA position 144, A replaced by T.
Protein change: p.Leu48Phe; replaces leucine 48 with phenylalanine.
Molecular consequence: missense variant.
Genome position (GRCh38, 1-based): chr7:37,850,681, A>T. VCF-style: chr7-37850681-A-T. GRCh37 (hg19) VCF-style: chr7-37890283-A-T.
Other names: short protein forms L48F.
Identifiers: ClinVar variation 3226918 (VCV003226918.1), dbSNP rs199848335, ClinGen allele CA157146895.
Genomic context (GRCh38, chr7:37,850,681, plus strand): 5'-TCTTCTAGTGATTGATGTTTACCAAGCCTGGTGTGGACCTTGCAGAGCAATGCAACCTTT[A>T]TTCAGAAAATTGAAAAATGAACTGAACGAAGACGAAATTCTGCATTTTGCTGTCGTAAGA-3'
Protein context (NP_057700.3, residues 38-58): WCGPCRAMQP[Leu48Phe]FRKLKNELNE